The following is an entry in ClinVar:

ClinVar aggregate classification (germline): Uncertain significance. Review status: criteria provided, multiple submitters, no conflicts (2 of 4 stars). 2 submissions from 2 submitters: Uncertain significance (2). Last evaluated 2024-06-26.

Conditions:
Developmental and epileptic encephalopathy, 8 (DEE8). Also called: HYPEREKPLEXIA AND EPILEPSY. Identifiers: Orphanet 163985, Orphanet 2076, MedGen C1845102, MONDO:0010375, OMIM 300607.
Inborn genetic diseases. Identifiers: MedGen C0950123, MeSH D030342.

Allele frequency attached by ClinVar (database versions not stated): TOPMed below 0.00001; gnomAD exomes 0.00001.
gnomAD v4.1: 11 of 1,207,117 alleles (0.00091%); highest among the groups gnomAD compares: Admixed American, 0.0044%; no homozygotes.

Submissions (2):

Labcorp Genetics (formerly Invitae), Labcorp
Classification: Uncertain significance for Developmental and epileptic encephalopathy, 8. Last evaluated: 2024-06-26. Review status: criteria provided, single submitter. Criteria: Invitae Variant Classification Sherloc (09022015). Collection method: clinical testing. Allele origin: germline.
Comment: This sequence change replaces alanine, which is neutral and non-polar, with threonine, which is neutral and polar, at codon 487 of the ARHGEF9 protein (p.Ala487Thr). The frequency data for this variant in the population databases is considered unreliable, as metrics indicate poor data quality at this position in the gnomAD database. This variant has not been reported in the literature in individuals affected with ARHGEF9-related conditions. ClinVar contains an entry for this variant (Variation ID: 533663). Advanced modeling of protein sequence and biophysical properties (such as structural, functional, and spatial information, amino acid conservation, physicochemical variation, residue mobility, and thermodynamic stability) performed at Invitae indicates that this missense variant is not expected to disrupt ARHGEF9 protein function with a negative predictive value of 80%. In summary, the available evidence is currently insufficient to determine the role of this variant in disease. Therefore, it has been classified as a Variant of Uncertain Significance.

Ambry Genetics
Classification: Uncertain significance for Inborn genetic diseases. Last evaluated: 2020-11-19. Review status: criteria provided, single submitter. Criteria: Ambry Variant Classification Scheme 2023. Collection method: clinical testing. Allele origin: germline.
Comment: The c.1459G>A (p.A487T) alteration is located in coding exon 10 of the ARHGEF9 gene. This alteration results from a G to A substitution at nucleotide position 1459, causing the alanine (A) at amino acid position 487 to be replaced by a threonine (T). Based on data from the Genome Aggregation Database (gnomAD) database, the ARHGEF9 c.1459G>A alteration was observed in <0.01% (1/174340) of total alleles studied. This amino acid position is not well conserved in available vertebrate species. The p.A487T alteration is predicted to be tolerated by in silico analysis. Based on insufficient or conflicting evidence, the clinical significance of this alteration remains unclear.

NM_001353921.2(ARHGEF9):c.1480G>A (p.Ala494Thr)

Gene: ARHGEF9 (Cdc42 guanine nucleotide exchange factor 9; minus strand). Cytogenetic location: Xq11.1.
Variant type: single nucleotide variant.
Coding change: c.1480G>A on transcript NM_001353921.2 (MANE Select); coding-DNA position 1480, G replaced by A.
Protein change: p.Ala494Thr; replaces alanine 494 with threonine.
Molecular consequence: missense variant. On other transcripts: 3 prime UTR variant (2).
Genome position (GRCh38, 1-based): chrX:63,638,120, C>T on the plus strand (G>A on the coding strand, the complement: ARHGEF9 is on the minus strand). VCF-style: chrX-63638120-C-T. GRCh37 (hg19) VCF-style: chrX-62858000-C-T.
Other names: c.1300G>A, p.Ala434Thr (NM_001173479.2); c.1153G>A, p.Ala385Thr (NM_001173480.2, NM_001369042.1); c.1396G>A, p.Ala466Thr (NM_001330495.2, NM_001369033.1, NM_001369034.1 and 4 more transcripts); c.1348G>A, p.Ala450Thr (NM_001353922.2); c.1498G>A, p.Ala500Thr (NM_001353923.1); c.1279G>A, p.Ala427Thr (NM_001353924.2, NM_001353926.2, NM_001369039.1 and 1 more transcripts); c.1264G>A, p.Ala422Thr (NM_001353927.2, NM_001369041.1); c.1327G>A, p.Ala443Thr (NM_001353928.2); and 3 more; short protein forms A487T, A427T, A466T, A500T, A385T, A434T, A443T, A305T.
Identifiers: ClinVar variation 533663 (VCV000533663.13), dbSNP rs1556301016, ClinGen allele CA413401145.
Genomic context (GRCh38, chrX:63,638,120, plus strand): 5'-TTTGCCAGAATGGTGACTGGCTGCGCTTGGGTTCGGTGAACTCAAAGACCTGCGACTGAG[C>T]GATGCCGTCGGGGACCAGGTACTGGCCGTGGTTTAACGGGTCCTGCGGTGGTGGGTAGGA-3'
Protein context (NP_001340850.1, residues 484-504): HGQYLVPDGI[Ala494Thr]QSQVFEFTEP